The following is an entry in ClinVar:

ClinVar aggregate classification (germline): Pathogenic/Likely pathogenic. Review status: criteria provided, multiple submitters, no conflicts (2 of 4 stars). 2 submissions from 2 submitters: Pathogenic (1); Likely pathogenic (1). Last evaluated 2023-01-23.

Conditions:
PKD1-related disorder. Also called: PKD1-related condition.
Polycystic kidney disease, adult type (PKD1). Also called: POLYCYSTIC KIDNEY DISEASE, ADULT, TYPE I; Polycystic Kidney Disease 1, Autosomal Dominant; Polycystic kidney disease 1; Polycystic kidney disease 1, severe; Polycystic Kidney, Autosomal Dominant; POLYCYSTIC KIDNEY DISEASE 1 WITH OR WITHOUT POLYCYSTIC LIVER DISEASE. Identifiers: MedGen C3149841, MONDO:0008263, OMIM 173900.

Submissions (2):

Blueprint Genetics
Classification: Likely pathogenic for PKD1-related disorders. Last evaluated: 2023-01-23. Review status: criteria provided, single submitter. Criteria: ACMG Guidelines, 2015. Collection method: clinical testing. Allele origin: germline. Affected: yes. Observed: 2 variant alleles.

MVZ Medizinische Genetik Mainz
Classification: Pathogenic for Polycystic kidney disease, adult type. Last evaluated: 2023-01-17. Review status: criteria provided, single submitter. Criteria: UK Practice Guidelines For Variant Classification V4 01 2020. Collection method: clinical testing. Allele origin: germline. Inheritance: Autosomal dominant inheritance. Affected: yes. Observed: 1 variant allele.
Comment: ACMG Criteria: PVS1, PM2_SUP, PP4

NM_001009944.3(PKD1):c.771dup (p.Thr258fs)

Gene: PKD1 (polycystin 1, transient receptor potential channel interacting; minus strand). Cytogenetic location: 16p13.3.
Variant type: Duplication.
Coding change: c.771dup on transcript NM_001009944.3 (MANE Select); coding-DNA position 771, one base duplicated (C; older notation c.771dupC).
Protein change: p.Thr258fs; shifts the reading frame from threonine 258.
Molecular consequence: frameshift variant.
Genome position (GRCh38, 1-based): chr16:2,118,221, G duplicated on the plus strand (C on the coding strand, the reverse complement: PKD1 is on the minus strand); the first of 5 consecutive G bases (chr16:2,118,221-2,118,225); duplicating any one gives the same sequence. VCF-style (leftmost placement, unchanged base first): chr16-2118220-T-TG. GRCh37 (hg19) VCF-style: chr16-2168221-T-TG.
Other names: c.771dup, p.Thr258fs (NM_000296.4); short protein forms T258fs.
Identifiers: ClinVar variation 3066307 (VCV003066307.2), dbSNP rs2544879772, ClinGen allele CA2530360227.